The following is an entry in ClinVar:

NM_004329.3(BMPR1A):c.352C>G (p.Leu118Val)

Gene: BMPR1A (bone morphogenetic protein receptor type 1A; plus strand). Cytogenetic location: 10q23.2.
Variant type: single nucleotide variant.
Coding change: c.352C>G on transcript NM_004329.3 (MANE Select); coding-DNA position 352, C replaced by G.
Protein change: p.Leu118Val; replaces leucine 118 with valine.
Molecular consequence: missense variant.
Genome position (GRCh38, 1-based): chr10:86,899,812, C>G. VCF-style: chr10-86899812-C-G. GRCh37 (hg19) VCF-style: chr10-88659569-C-G.
Other names: short protein forms L118V.
Identifiers: ClinVar variation 142379 (VCV000142379.16), dbSNP rs587782418, ClinGen allele CA168197.

ClinVar aggregate classification (germline): Uncertain significance. Review status: criteria provided, multiple submitters, no conflicts (2 of 4 stars). 4 submissions from 4 submitters: Uncertain significance (4). Last evaluated 2025-07-16.

Conditions:
Juvenile polyposis syndrome (JPS). Identifiers: Orphanet 2929, MedGen C0345893, MONDO:0017380, OMIM 174900.
Hereditary cancer-predisposing syndrome. Also called: Neoplastic Syndromes, Hereditary; Hereditary Cancer Syndrome; Hereditary neoplastic syndrome; Tumor predisposition. Identifiers: Orphanet 140162, MedGen C0027672, MeSH D009386, MONDO:0015356.

Submissions (4):

Labcorp Genetics (formerly Invitae), Labcorp
Classification: Uncertain significance for Juvenile polyposis syndrome. Last evaluated: 2025-07-16. Review status: criteria provided, single submitter. Criteria: Invitae Variant Classification Sherloc (09022015). Collection method: clinical testing. Allele origin: germline.
Comment: This sequence change replaces leucine, which is neutral and non-polar, with valine, which is neutral and non-polar, at codon 118 of the BMPR1A protein (p.Leu118Val). This variant is not present in population databases (gnomAD no frequency). This variant has not been reported in the literature in individuals affected with BMPR1A-related conditions. ClinVar contains an entry for this variant (Variation ID: 142379). Invitae Evidence Modeling of protein sequence and biophysical properties (such as structural, functional, and spatial information, amino acid conservation, physicochemical variation, residue mobility, and thermodynamic stability) has been performed for this missense variant. However, the output from this modeling did not meet the statistical confidence thresholds required to predict the impact of this variant on BMPR1A protein function. In summary, the available evidence is currently insufficient to determine the role of this variant in disease. Therefore, it has been classified as a Variant of Uncertain Significance.

Color Diagnostics, LLC DBA Color Health
Classification: Uncertain significance for Hereditary cancer-predisposing syndrome. Last evaluated: 2024-03-06. Review status: criteria provided, single submitter. Criteria: ACMG Guidelines, 2015. Collection method: clinical testing. Allele origin: germline.
Comment: This missense variant replaces leucine with valine at codon 118 of the BMPR1A protein. Computational prediction suggests that this variant may not impact protein structure and function. To our knowledge, functional studies have not been reported for this variant. This variant has not been reported in individuals affected with BMPR1A-related disorders in the literature. This variant has not been identified in the general population by the Genome Aggregation Database (gnomAD). The available evidence is insufficient to determine the role of this variant in disease conclusively. Therefore, this variant is classified as a Variant of Uncertain Significance.

Ambry Genetics
Classification: Uncertain significance for Hereditary cancer-predisposing syndrome. Last evaluated: 2023-12-07. Review status: criteria provided, single submitter. Criteria: Ambry Variant Classification Scheme 2023. Collection method: clinical testing. Allele origin: germline.
Comment: The p.L118V variant (also known as c.352C>G), located in coding exon 4 of the BMPR1A gene, results from a C to G substitution at nucleotide position 352. The leucine at codon 118 is replaced by valine, an amino acid with highly similar properties. This amino acid position is not well conserved in available vertebrate species. In addition, this alteration is predicted to be tolerated by in silico analysis. Since supporting evidence is limited at this time, the clinical significance of this alteration remains unclear.

All of Us Research Program, National Institutes of Health
Classification: Uncertain significance for Juvenile polyposis syndrome. Last evaluated: 2023-06-28. Review status: criteria provided, single submitter. Criteria: ACMG Guidelines, 2015. Collection method: clinical testing. Allele origin: germline. Inheritance: Autosomal dominant inheritance. Observed: 2 variant alleles, 2 heterozygotes.
Comment: This missense variant replaces leucine with valine at codon 118 of the BMPR1A protein. Computational prediction suggests that this variant may not impact protein structure and function (internally defined REVEL score threshold <= 0.5, PMID: 27666373). To our knowledge, functional studies have not been reported for this variant. This variant has not been reported in individuals affected with BMPR1A-related disorders in the literature. This variant has not been identified in the general population by the Genome Aggregation Database (gnomAD). The available evidence is insufficient to determine the role of this variant in disease conclusively. Therefore, this variant is classified as a Variant of Uncertain Significance.

This study involves interpretation of variants in research participants for the purpose of population health screening. Participant phenotype was not available at the time of variant classification. Additional details can be found in publication PMID: 35346344, PMCID: PMC8962531